The following is an entry in ClinVar:

NM_001348768.2(HECW2):c.756del (p.Phe252fs)

Gene: HECW2 (HECT, C2 and WW domain containing E3 ubiquitin protein ligase 2; minus strand). Cytogenetic location: 2q32.3.
Variant type: Deletion.
Coding change: c.756del on transcript NM_001348768.2 (MANE Select); coding-DNA position 756, one base deleted (T; older notation c.756delT).
Protein change: p.Phe252fs; shifts the reading frame from phenylalanine 252.
Molecular consequence: frameshift variant. On other transcripts: 5 prime UTR variant (1).
Genome position (GRCh38, 1-based): chr2:196,322,606, A deleted on the plus strand (T on the coding strand, the reverse complement: HECW2 is on the minus strand); the first of 6 consecutive A bases (chr2:196,322,606-196,322,611); deleting any one gives the same sequence. VCF-style (leftmost placement, unchanged base first): chr2-196322605-CA-C. GRCh37 (hg19) VCF-style: chr2-197187329-CA-C.
Other names: c.-212del (NM_001304840.3); c.756del, p.Phe252fs (NM_020760.4); short protein forms F252fs.
Identifiers: ClinVar variation 5017088 (VCV005017088.1).

ClinVar aggregate classification (germline): Uncertain significance (1 of 4 stars; one submission).

Submission:

GeneDx
Classification: Uncertain significance. Last evaluated: 2026-03-25. Review status: criteria provided, single submitter. Criteria: GeneDx Variant Classification Process June 2021. Collection method: clinical testing. Allele origin: germline.
Comment: Not observed at significant frequency in large population cohorts (gnomAD); Frameshift variant predicted to result in protein truncation or nonsense mediated decay in a gene or region of a gene for which loss of function is not a well-established mechanism of disease; Has not been previously published as pathogenic or benign to our knowledge